The following is an entry in ClinVar:

NM_032444.4(SLX4):c.1662C>T (p.Leu554=)

Gene: SLX4 (SLX4 structure-specific endonuclease subunit; minus strand). Cytogenetic location: 16p13.3.
Variant type: single nucleotide variant.
Coding change: c.1662C>T on transcript NM_032444.4 (MANE Select); coding-DNA position 1662, C replaced by T.
Protein change: p.Leu554=; no amino-acid change (leucine 554 retained).
Molecular consequence: synonymous variant.
Genome position (GRCh38, 1-based): chr16:3,597,400, G>A on the plus strand (C>T on the coding strand, the complement: SLX4 is on the minus strand). VCF-style: chr16-3597400-G-A. GRCh37 (hg19) VCF-style: chr16-3647401-G-A.
Other names: c.1662C>T (LRG_503t1, NM_032444.3).
Identifiers: ClinVar variation 456291 (VCV000456291.11), dbSNP rs375996119, ClinGen allele CA7866459.

ClinVar aggregate classification (germline): Likely benign. Review status: criteria provided, multiple submitters, no conflicts (2 of 4 stars). 4 submissions from 4 submitters: Likely benign (3). 1 of the submissions does not count toward it. Last evaluated 2025-11-20.

Conditions:
SLX4-related disorder. Also called: SLX4-related condition.
Fanconi anemia (FA). Also called: Fanconi's anemia. Identifiers: Orphanet 84, MedGen C0015625, MeSH D005199, MONDO:0019391.

Allele frequency attached by ClinVar (database versions not stated): TOPMed 0.00002; gnomAD 0.00003 and 0.00004; gnomAD exomes 0.00005; ExAC 0.00008; ESP Exome Variant Server 0.00008.
gnomAD v4.1: 99 of 1,590,880 alleles (0.0062%); highest among the groups gnomAD compares: Middle Eastern, 0.017%; no homozygotes.

Submissions (4):

Labcorp Genetics (formerly Invitae), Labcorp
Classification: Likely benign for Fanconi anemia. Last evaluated: 2025-11-20. Review status: criteria provided, single submitter. Criteria: Invitae Variant Classification Sherloc (09022015). Collection method: clinical testing. Allele origin: germline.

Blueprint Genetics
Classification: Likely benign. Last evaluated: 2024-09-03. Review status: criteria provided, single submitter. Criteria: ACMG Guidelines, 2015. Collection method: clinical testing. Allele origin: germline.

Sema4
Classification: Likely benign for Fanconi anemia. Last evaluated: 2022-02-25. Review status: criteria provided, single submitter. Criteria: Sema4 Curation Guidelines. Collection method: curation. Allele origin: germline.

PreventionGenetics, part of Exact Sciences
Classification: Likely benign for SLX4-related condition. Last evaluated: 2024-06-07. Review status: no assertion criteria provided. Collection method: clinical testing. Allele origin: germline. Not counted in ClinVar's aggregate classification.
Comment: This variant is classified as likely benign based on ACMG/AMP sequence variant interpretation guidelines (Richards et al. 2015 PMID: 25741868, with internal and published modifications).